The following is an entry in ClinVar:

NM_001042545.2(LTBP4):c.3350A>G (p.Tyr1117Cys)

Gene: LTBP4 (latent transforming growth factor beta binding protein 4; plus strand). Cytogenetic location: 19q13.2.
Variant type: single nucleotide variant.
Coding change: c.3350A>G on transcript NM_001042545.2 (MANE Select); coding-DNA position 3350, A replaced by G.
Protein change: p.Tyr1117Cys; replaces tyrosine 1117 with cysteine.
Molecular consequence: missense variant.
Genome position (GRCh38, 1-based): chr19:40,622,533, A>G. VCF-style: chr19-40622533-A-G. GRCh37 (hg19) VCF-style: chr19-41128438-A-G.
Other names: c.3551A>G, p.Tyr1184Cys (NM_001042544.1); c.3440A>G, p.Tyr1147Cys (NM_003573.2); short protein forms Y1117C, Y1147C, Y1184C.
Identifiers: ClinVar variation 3389885 (VCV003389885.14).

ClinVar aggregate classification (germline): Uncertain significance (1 of 4 stars; one submission).

gnomAD v4.1: 4 of 1,613,830 alleles (0.00025%); highest among the groups gnomAD compares: Non-Finnish European, 0.00034%; no homozygotes.

Submission:

CeGaT Center for Human Genetics Tuebingen
Classification: Uncertain significance. Last evaluated: 2024-10-01. Review status: criteria provided, single submitter. Criteria: CeGaT Center For Human Genetics Tuebingen Variant Classification Criteria Version 2. Collection method: clinical testing. Allele origin: germline. Affected: yes. Observed: 1 variant allele.
Comment: LTBP4: PM2, PP3